The following is an entry in ClinVar:

NM_144670.6(A2ML1):c.290_384dup (p.Pro129delinsGlyCysArgGluLeuGluIleThrSerAlaLeuArgArgArgLysArgPheTer)

Genes: A2ML1 (alpha-2-macroglobulin like 1; plus strand), A2ML1-AS1 (A2ML1 antisense RNA 1; minus strand). Cytogenetic location: 12p13.31.
Variant type: Duplication.
Coding change: c.290_384dup on transcript NM_144670.6 (MANE Select); coding-DNA positions 290 to 384, 95 bases duplicated.
Protein change: p.Pro129delinsGlyCysArgGluLeuGluIleThrSerAlaLeuArgArgArgLysArgPheTer.
Molecular consequence: nonsense.
Genome position (GRCh38, 1-based): chr12:8,823,763-8,823,857, 95 bases duplicated. GRCh37 (hg19): chr12:8,976,359-8,976,453.
Identifiers: ClinVar variation 917826 (VCV000917826.1), dbSNP rs1942828214, ClinGen allele CA1139662511.

ClinVar aggregate classification (germline): Uncertain significance (1 of 4 stars; one submission).

Submission:

Women's Health and Genetics/Laboratory Corporation of America, LabCorp
Classification: Uncertain significance. Last evaluated: 2020-04-27. Review status: criteria provided, single submitter. Criteria: LabCorp Variant Classification Summary - May 2015. Collection method: clinical testing. Allele origin: germline.
Comment: Variant summary: A2ML1 c.290_384dup95 (p.Pro129GlyfsX18) results in a premature termination codon, predicted to cause a truncation of the encoded protein or absence of the protein due to nonsense mediated decay. The variant was absent in 249500 control chromosomes (gnomAD). The available data on variant occurrences in the general population are insufficient to allow any conclusion about variant significance. To our knowledge, no occurrence of c.290_384dup95 in individuals affected with Noonan Syndrome And Related Conditions and no experimental evidence demonstrating its impact on protein function have been reported. No clinical diagnostic laboratories have submitted clinical-significance assessments for this variant to ClinVar after 2014. Based on the evidence outlined above, the variant was classified as uncertain significance.